The following is an entry in ClinVar:

NM_001126108.2(SLC12A3):c.293G>A (p.Arg98Lys)

Gene: SLC12A3 (solute carrier family 12 member 3; plus strand). Cytogenetic location: 16q13.
Variant type: single nucleotide variant.
Coding change: c.293G>A on transcript NM_001126108.2 (MANE Select); coding-DNA position 293, G replaced by A.
Protein change: p.Arg98Lys; replaces arginine 98 with lysine.
Molecular consequence: missense variant.
Genome position (GRCh38, 1-based): chr16:56,867,080, G>A. VCF-style: chr16-56867080-G-A. GRCh37 (hg19) VCF-style: chr16-56900992-G-A.
Other names: p.Arg98Lys; c.293G>A, p.Arg98Lys (NM_000339.3); c.290G>A, p.Arg97Lys (NM_001126107.2, NM_001410896.1); short protein forms R97K, R98K.
Identifiers: ClinVar variation 3380393 (VCV003380393.1).
Genomic context (GRCh38, chr16:56,867,080, plus strand): 5'-GCCGTCCCTAGCACCCCTACCTGCCTGACTTGTGGTCTCTGGGCTGCCAGCAGGAAGGCA[G>A]ACACCTGCATGCCCTGGCCTTTGACAGCCGGCCCAGCCACGAGATGACTGATGGGCTGGT-3'
Protein context (NP_001119580.2, residues 88-108): DLHSFLKQEG[Arg98Lys]HLHALAFDSR

ClinVar aggregate classification (germline): Uncertain significance (1 of 4 stars; one submission).

gnomAD v4.1: 1 of 1,613,278 alleles (0.000062%); highest among the groups gnomAD compares: Non-Finnish European, 0.000085%; no homozygotes.

Submission:

Mayo Clinic Laboratories, Mayo Clinic
Classification: Uncertain significance. Last evaluated: 2023-11-03. Review status: criteria provided, single submitter. Criteria: ACMG Guidelines, 2015. Collection method: clinical testing. Allele origin: germline. Observed: 1 variant allele.
Comment: BP4, PM2